The following is an entry in ClinVar:

ClinVar aggregate classification (germline): Pathogenic. Review status: criteria provided, multiple submitters, no conflicts (2 of 4 stars). 6 submissions from 6 submitters: Pathogenic (4). 2 of the submissions do not count toward it. Last evaluated 2025-08-15.

Conditions:
NPC1-related disorder. Also called: NPC1-related condition.
Niemann-Pick disease, type C (NPC). Identifiers: Orphanet 646, MedGen C0220756, MONDO:0018982.
Niemann-Pick disease, type C1. Also called: NEUROVISCERAL STORAGE DISEASE WITH VERTICAL SUPRANUCLEAR OPHTHALMOPLEGIA; NIEMANN-PICK DISEASE WITH CHOLESTEROL ESTERIFICATION BLOCK; NIEMANN-PICK DISEASE WITHOUT SPHINGOMYELINASE DEFICIENCY; NIEMANN-PICK DISEASE, CHRONIC NEURONOPATHIC FORM; NIEMANN-PICK DISEASE, VARIANT TYPE C1. Identifiers: Orphanet 646, MedGen C3179455, MONDO:0009757, OMIM 257220.

Allele frequency attached by ClinVar (database versions not stated): gnomAD 0.00001; TOPMed 0.00003; ESP Exome Variant Server 0.00008.
gnomAD v4.1: 22 of 1,614,092 alleles (0.0014%); highest among the groups gnomAD compares: Middle Eastern, 0.016%; no homozygotes.

Submissions (6):

Natera, Inc.
Classification: Pathogenic for Niemann-Pick disease type C1. Last evaluated: 2025-08-15. Review status: criteria provided, single submitter. Criteria: Natera Variant Classification Schema (03/2026). Collection method: clinical testing. Allele origin: germline.
Comment: The c.1990G>A variant in NPC1 is a missense variant predicted to cause substitution of valine to methionine at amino acid 664. This variant is rare in the general population with a frequency below the threshold expected for the associated phenotype(s). This variant has been observed in one or more individuals affected with the associated recessive disease, as either homozygous or compound heterozygous with a second variant (PMID: 26981555). Computational prediction algorithms indicate this variant is likely to affect gene or protein function. Given the available evidence, this variant is classified as Pathogenic.

Labcorp Genetics (formerly Invitae), Labcorp
Classification: Pathogenic for Niemann-Pick disease, type C1. Last evaluated: 2025-07-09. Review status: criteria provided, single submitter. Criteria: Invitae Variant Classification Sherloc (09022015). Collection method: clinical testing. Allele origin: germline.
Comment: This sequence change replaces valine, which is neutral and non-polar, with methionine, which is neutral and non-polar, at codon 664 of the NPC1 protein (p.Val664Met). This variant is present in population databases (rs376213990, gnomAD 0.004%). This missense change has been observed in individual(s) with Niemann-Pick type C (PMID: 20718790, 25236789, 26937389, 28222799). ClinVar contains an entry for this variant (Variation ID: 370601). Invitae Evidence Modeling of protein sequence and biophysical properties (such as structural, functional, and spatial information, amino acid conservation, physicochemical variation, residue mobility, and thermodynamic stability) indicates that this missense variant is expected to disrupt NPC1 protein function with a positive predictive value of 95%. For these reasons, this variant has been classified as Pathogenic.

PreventionGenetics, part of Exact Sciences
Classification: Pathogenic for NPC1-related condition. Last evaluated: 2025-02-18. Review status: criteria provided, single submitter. Criteria: ACMG Guidelines, 2015. Collection method: clinical testing. Allele origin: germline.
Comment: The NPC1 c.1990G>A variant is predicted to result in the amino acid substitution p.Val664Met. This variant was reported in numerous individuals with Niemann-Pick disease, type C (Park et al. 2003. PubMed ID: 12955717; Macías-Vidal et al. 2011. PubMed ID: 20718790; Takamura et al. 2013. PubMed ID: 24001525; Jahnova et al. 2014. PubMed ID: 25236789; Greenberg et al. 2015. PubMed ID: 26937389; Table S1, Reunert et al. 2016. PubMed ID: 26981555; de Castro-Orós et al. 2017. PubMed ID: 28222799; Abtahi et al. 2022. PubMed ID: 35086560). This variant is reported in 0.0040% of alleles in individuals of African descent in gnomAD. This variant is interpreted as pathogenic.

Women's Health and Genetics/Laboratory Corporation of America, LabCorp
Classification: Pathogenic for Niemann-Pick disease, type C. Last evaluated: 2022-11-17. Review status: criteria provided, single submitter. Criteria: LabCorp Variant Classification Summary - May 2015. Collection method: clinical testing. Allele origin: germline.
Comment: Variant summary: NPC1 c.1990G>A (p.Val664Met) results in a conservative amino acid change located in the Sterol-sensing domain (IPR000731) of the encoded protein sequence. Four of five in-silico tools predict a damaging effect of the variant on protein function. The variant allele was found at a frequency of 8e-06 in 251294 control chromosomes. c.1990G>A has been reported in the literature as a biallelic compound heterozygous genotyppe in multiple individuals affected with Niemann-Pick Disease Type C (example, Macias-Vidal_2011, Takamura_2013, Greenberg_2015, Reunert_2016, Guan_2020). These data indicate that the variant is very likely to be associated with disease. To our knowledge, no experimental evidence demonstrating an impact on protein function has been reported. Three clinical diagnostic laboratories have submitted clinical-significance assessments for this variant to ClinVar after 2014 without evidence for independent evaluation. All laboratories classified the variant as pathogenic/likely pathogenic. Based on the evidence outlined above, the variant was classified as pathogenic.

Solve-RD Consortium
Classification: Likely pathogenic for Niemann-Pick disease, type C1. Last evaluated: 2022-06-01. Review status: no assertion criteria provided. Collection method: provider interpretation. Allele origin: inherited. Affected: yes. Not counted in ClinVar's aggregate classification.
Comment: Variant confirmed as disease-causing by referring clinical team

Variant identified during reanalysis of unsolved cases by the Solve-RD project. The Solve-RD project has received funding from the European Union’s Horizon 2020 research and innovation programme under grant agreement No 779257.

Counsyl
Classification: Likely pathogenic for Niemann-Pick disease, type C1. Last evaluated: 2016-03-08. Review status: no assertion criteria provided. Collection method: clinical testing. Allele origin: unknown. Not counted in ClinVar's aggregate classification.

Literature cited by the submitters: PubMed 26981555 (cited by Natera, Inc. and Women's Health and Genetics/Laboratory Corporation of America, LabCorp); PubMed 20718790 (cited by 3 submitters); PubMed 25236789 (cited by Labcorp Genetics (formerly Invitae), Labcorp and Counsyl); PubMed 26937389 (cited by 3 submitters); PubMed 28222799 (cited by Labcorp Genetics (formerly Invitae), Labcorp); PubMed 31743419 (cited by Women's Health and Genetics/Laboratory Corporation of America, LabCorp); PubMed 32248828 (cited by Women's Health and Genetics/Laboratory Corporation of America, LabCorp); PubMed 24001525 (cited by Women's Health and Genetics/Laboratory Corporation of America, LabCorp); PubMed 39825153 (cited by Solve-RD Consortium); PubMed 12955717 (cited by Counsyl); PubMed 16098014 (cited by Counsyl).

NM_000271.5(NPC1):c.1990G>A (p.Val664Met)

Gene: NPC1 (NPC intracellular cholesterol transporter 1; minus strand). Cytogenetic location: 18q11.2.
Variant type: single nucleotide variant.
Coding change: c.1990G>A on transcript NM_000271.5 (MANE Select); coding-DNA position 1990, G replaced by A.
Protein change: p.Val664Met; replaces valine 664 with methionine.
Molecular consequence: missense variant.
Genome position (GRCh38, 1-based): chr18:23,544,484, C>T on the plus strand (G>A on the coding strand, the complement: NPC1 is on the minus strand). VCF-style: chr18-23544484-C-T. GRCh37 (hg19) VCF-style: chr18-21124448-C-T.
Other names: short protein forms V664M.
Identifiers: ClinVar variation 370601 (VCV000370601.16), dbSNP rs376213990, ClinGen allele CA8913242.